The following is an entry in ClinVar:

NM_000045.4(ARG1):c.702C>T (p.Asp234=)

Genes: ARG1 (arginase 1; plus strand), MED23 (mediator complex subunit 23; minus strand). Cytogenetic location: 6q23.2.
Variant type: single nucleotide variant.
Coding change: c.702C>T on transcript NM_000045.4 (MANE Select); coding-DNA position 702, C replaced by T.
Protein change: p.Asp234=; no amino-acid change (aspartic acid 234 retained).
Molecular consequence: synonymous variant. On other transcripts: non-coding transcript variant (1), intron variant (2).
Genome position (GRCh38, 1-based): chr6:131,583,391, C>T. VCF-style: chr6-131583391-C-T. GRCh37 (hg19) VCF-style: chr6-131904531-C-T.
Other names: c.726C>T, p.Asp242= (NM_001244438.2); c.447C>T, p.Asp149= (NM_001369020.1); c.4077+4318G>A (NM_001270521.2); c.4095+4318G>A (NM_015979.4).
Identifiers: ClinVar variation 680358 (VCV000680358.24), dbSNP rs148939143, ClinGen allele CA3999346.

ClinVar aggregate classification (germline): Likely benign. Review status: criteria provided, multiple submitters, no conflicts (2 of 4 stars). 3 submissions from 3 submitters: Likely benign (3). Last evaluated 2026-02-02.

Conditions:
Arginase deficiency. Also called: ARGININEMIA; ARG1 DEFICIENCY; Arginase 1 Deficiency. Identifiers: Orphanet 90, MedGen C0268548, MONDO:0008814, OMIM 207800.

Allele frequency attached by ClinVar (database versions not stated): gnomAD 0.00003; gnomAD exomes 0.00001 and 0.00002; ExAC 0.00003; TOPMed 0.00007; ESP Exome Variant Server 0.00008.
gnomAD v4.1: 25 of 1,613,988 alleles (0.0015%); highest among the groups gnomAD compares: Admixed American, 0.01%; no homozygotes.

Submissions (3):

Labcorp Genetics (formerly Invitae), Labcorp
Classification: Likely benign for Arginase deficiency. Last evaluated: 2026-02-02. Review status: criteria provided, single submitter. Criteria: Invitae Variant Classification Sherloc (09022015). Collection method: clinical testing. Allele origin: germline.

CeGaT Center for Human Genetics Tuebingen
Classification: Likely benign. Last evaluated: 2024-09-01. Review status: criteria provided, single submitter. Criteria: CeGaT Center For Human Genetics Tuebingen Variant Classification Criteria Version 2. Collection method: clinical testing. Allele origin: germline. Affected: yes. Observed: 1 variant allele.
Comment: ARG1: BP4, BP7

GeneDx
Classification: Likely benign. Last evaluated: 2018-03-22. Review status: criteria provided, single submitter. Criteria: GeneDx Variant Classification (06012015). Collection method: clinical testing. Allele origin: germline. Affected: yes.
Comment: This variant is considered likely benign or benign based on one or more of the following criteria: it is a conservative change, it occurs at a poorly conserved position in the protein, it is predicted to be benign by multiple in silico algorithms, and/or has population frequency not consistent with disease.